The following is an entry in ClinVar:

NM_000268.4(NF2):c.122G>A (p.Trp41Ter)

Gene: NF2 (NF2, moesin-ezrin-radixin like (MERLIN) tumor suppressor; plus strand). Cytogenetic location: 22q12.2.
Variant type: single nucleotide variant.
Coding change: c.122G>A on transcript NM_000268.4 (MANE Select); coding-DNA position 122, G replaced by A.
Protein change: p.Trp41Ter; replaces tryptophan 41 with a stop codon.
Molecular consequence: nonsense. On other transcripts: non-coding transcript variant (1), intron variant (3).
Genome position (GRCh38, 1-based): chr22:29,636,758, G>A. VCF-style: chr22-29636758-G-A. GRCh37 (hg19) VCF-style: chr22-30032747-G-A.
Other names: c.122G>A, p.Trp41Ter (NM_016418.5, NM_181825.3, NM_181829.3 and 2 more transcripts); c.115-2332G>A (NM_181828.3); c.115-5444G>A (NM_181830.3, NM_181831.3); short protein forms W41*.
Identifiers: ClinVar variation 449433 (VCV000449433.13), dbSNP rs1555986860, ClinGen allele CA411152423.

ClinVar aggregate classification (germline): Pathogenic. Review status: criteria provided, multiple submitters, no conflicts (2 of 4 stars). 3 submissions from 3 submitters: Pathogenic (3). Last evaluated 2023-05-27.

Conditions:
Neurofibromatosis, type 2 (SWNV). Also called: BILATERAL ACOUSTIC NEUROFIBROMATOSIS; SCHWANNOMATOSIS, VESTIBULAR; NF2-Related Schwannomatosis. Identifiers: Orphanet 637, MedGen C0027832, MONDO:0007039, OMIM 101000. Disease mechanism: loss of function.

Submissions (3):

Labcorp Genetics (formerly Invitae), Labcorp
Classification: Pathogenic for Neurofibromatosis, type 2. Last evaluated: 2023-05-27. Review status: criteria provided, single submitter. Criteria: Invitae Variant Classification Sherloc (09022015). Collection method: clinical testing. Allele origin: germline.
Comment: For these reasons, this variant has been classified as Pathogenic. Algorithms developed to predict the effect of sequence changes on RNA splicing suggest that this variant may disrupt the consensus splice site. ClinVar contains an entry for this variant (Variation ID: 449433). This premature translational stop signal has been observed in individuals with neurofibromatosis, type 2 (PMID: 9643284, 22295085, 27704245). This variant is not present in population databases (gnomAD no frequency). This sequence change creates a premature translational stop signal (p.Trp41*) in the NF2 gene. It is expected to result in an absent or disrupted protein product. Loss-of-function variants in NF2 are known to be pathogenic (PMID: 9643284, 16983642).

Genome-Nilou Lab
Classification: Pathogenic for Neurofibromatosis, type 2. Last evaluated: 2021-11-07. Review status: criteria provided, single submitter. Criteria: ACMG Guidelines, 2015. Collection method: clinical testing. Allele origin: germline. Affected: no.

GeneDx
Classification: Pathogenic. Last evaluated: 2017-05-05. Review status: criteria provided, single submitter. Criteria: GeneDx Variant Classification (06012015). Collection method: clinical testing. Allele origin: germline. Affected: yes.
Comment: The W41X nonsense variant in the NF2 gene has been reported previously in association withneurofibromatosis type 2 (Evans et al., 1998; Bonne et al., 2016). This pathogenic variant ispredicted to cause loss of normal protein function either through protein truncation or nonsense-mediated mRNA decay. Additionally, The W41X variant is not observed in large population cohorts(Lek et al., 2016; 1000 Genomes Consortium et al., 2015; Exome Variant Server). Therefore, theW41X variant is pathogenic

Literature cited by the submitters: PubMed 9643284 (cited by Labcorp Genetics (formerly Invitae), Labcorp); PubMed 22295085 (cited by Labcorp Genetics (formerly Invitae), Labcorp); PubMed 27704245 (cited by Labcorp Genetics (formerly Invitae), Labcorp); PubMed 16983642 (cited by Labcorp Genetics (formerly Invitae), Labcorp).